The following is an entry in ClinVar:

ClinVar aggregate classification (germline): Pathogenic/Likely pathogenic. Review status: criteria provided, multiple submitters, no conflicts (2 of 4 stars). 5 submissions from 5 submitters: Pathogenic (4); Likely pathogenic (1). Last evaluated 2025-10-27.

Conditions:
GM1 gangliosidosis. Identifiers: Orphanet 354, MedGen C0085131, MONDO:0018149.
Mucopolysaccharidosis, MPS-IV-B (MPS4B). Also called: MORQUIO SYNDROME B; Mucopolysaccharidosis type IV B; Mucopolysaccharidosis Type IVB; Mucopolysaccharidosis type 4B; Mucopolysaccharidosis Type IVB (Morquio B Disease); Mucopolysaccharidosis type IVB (Morquio). Identifiers: Orphanet 309310, Orphanet 582, MedGen C0086652, MONDO:0009660, OMIM 253010.
Infantile GM1 gangliosidosis. Also called: GM1-gangliosidosis, type I; Gangliosidosis, generalized GM1, infantile form; GLB1 deficiency; GM1 gangliosidosis type 1; Gangliosidosis, Generalized GM1, Type 1. Identifiers: Orphanet 354, Orphanet 79255, MedGen C0268271, MONDO:0009260, OMIM 230500.

Allele frequency attached by ClinVar (database versions not stated): gnomAD exomes below 0.00001; ExAC 0.00001.
gnomAD v4.1: 2 of 1,614,032 alleles (0.00012%); highest among the groups gnomAD compares: South Asian, 0.0022%; no homozygotes.

Submissions (5):

Medical Genetic Diagnosis and Therapy Center, Fujian Medical University
Classification: Pathogenic for Mucopolysaccharidosis, MPS-IV-B. Last evaluated: 2025-10-27. Review status: criteria provided, single submitter. Criteria: ACMG Guidelines, 2015. Collection method: clinical testing. Allele origin: germline. Affected: yes.
Comment: P: PM3_VS+PM2+PM5+PP3. This variant has been reported in the following publication(s): [1] Lei H L, Ye J, Qiu W J, et al. Beta-galactosidase deficiencies and novel GLB1 mutations in three Chinese patients with Morquio B disease or GM1 gangliosidosis[J]. World Journal of Pediatrics, 2012, 8(4): 359-362.

Women's Health and Genetics/Laboratory Corporation of America, LabCorp
Classification: Pathogenic for GM1 gangliosidosis. Last evaluated: 2023-07-27. Review status: criteria provided, single submitter. Criteria: LabCorp Variant Classification Summary - May 2015. Collection method: clinical testing. Allele origin: germline.
Comment: Variant summary: GLB1 c.1010T>C (p.Leu337Pro) results in a non-conservative amino acid change located in the Glycoside hydrolase 35, catalytic domain (IPR031330) of the encoded protein sequence. Five of five in-silico tools predict a damaging effect of the variant on protein function. The variant allele was found at a frequency of 4e-06 in 249536 control chromosomes. c.1010T>C has been reported in the literature in homozygous and compound heterozygous individuals affected with infantile GM1 Gangliosidosis (e.g. Lei_2012, Bidchol_2015). These data indicate that the variant is very likely to be associated with disease. At least one publication reports experimental evidence evaluating an impact on protein function. The most pronounced variant effect results in <10% of normal -GAL enzyme activity in homozygous patients with GM1 Gangliosidosis (e.g. Bidchol_2015). The following publications have been ascertained in the context of this evaluation (PMID: 25936995, 23151865). One submitter has cited clinical-significance assessments for this variant to ClinVar after 2014 and has classified the variant as pathogenic. Based on the evidence outlined above, the variant was classified as pathogenic.

Labcorp Genetics (formerly Invitae), Labcorp
Classification: Pathogenic for Mucopolysaccharidosis, MPS-IV-B; GM1 gangliosidosis. Last evaluated: 2023-04-08. Review status: criteria provided, single submitter. Criteria: Invitae Variant Classification Sherloc (09022015). Collection method: clinical testing. Allele origin: germline.
Comment: For these reasons, this variant has been classified as Pathogenic. Advanced modeling of protein sequence and biophysical properties (such as structural, functional, and spatial information, amino acid conservation, physicochemical variation, residue mobility, and thermodynamic stability) performed at Invitae indicates that this missense variant is expected to disrupt GLB1 protein function. ClinVar contains an entry for this variant (Variation ID: 1251981). This missense change has been observed in individual(s) with GM1 gangliosidosis (PMID: 23151865, 25936995). In at least one individual the data is consistent with being in trans (on the opposite chromosome) from a pathogenic variant. This variant is present in population databases (rs752177002, gnomAD 0.003%). This sequence change replaces leucine, which is neutral and non-polar, with proline, which is neutral and non-polar, at codon 337 of the GLB1 protein (p.Leu337Pro).

Foundation for Research in Genetics and Endocrinology, FRIGE's Institute of Human Genetics
Classification: Likely pathogenic for Infantile GM1 gangliosidosis. Review status: criteria provided, single submitter. Criteria: ACMG Guidelines, 2015. Collection method: clinical testing. Allele origin: germline. Inheritance: Autosomal recessive inheritance. Affected: yes. Observed: 1 homozygote.
Comment: A homozygous missense variant in exon 10 of the GLB1 gene that results in the amino acid substitution of Proline for Leucine at codon 337 was detected. The observed variant c.1010T>C (p.Leu337Pro) has not been reported in the 1000 genomes and has a MAF of 0.0004% in the gnomAD databases. The in silico prediction of the variant is damaging by LRT, SIFT, PROVEAN and MutationTaster2. The reference codon is conserved across species. Uniprot classifies this variant as pathogenic and has previously been observed in patients affected with GM1 Gangliosidosis Type 1/2. In summary, the variant meets our criteria to be classified as likely pathogenic.

Kasturba Medical College, Manipal, Kasturba Medical College, Manipal, Manipal Academy of Higher Education, Manipal, India
Classification: Pathogenic for Infantile GM1 gangliosidosis. Review status: criteria provided, single submitter. Criteria: ACMG Guidelines, 2015. Collection method: clinical testing. Allele origin: inherited. Affected: yes.

Literature cited by the submitters: PubMed 23151865 (cited by 3 submitters); PubMed 25936995 (cited by 3 submitters).

NM_000404.4(GLB1):c.1010T>C (p.Leu337Pro)

Gene: GLB1 (galactosidase beta 1; minus strand). Cytogenetic location: 3p22.3.
Variant type: single nucleotide variant.
Coding change: c.1010T>C on transcript NM_000404.4 (MANE Select); coding-DNA position 1010, T replaced by C.
Protein change: p.Leu337Pro; replaces leucine 337 with proline.
Molecular consequence: missense variant.
Genome position (GRCh38, 1-based): chr3:33,046,178, A>G on the plus strand (T>C on the coding strand, the complement: GLB1 is on the minus strand). VCF-style: chr3-33046178-A-G. GRCh37 (hg19) VCF-style: chr3-33087670-A-G.
Other names: p.Leu337Pro; c.1154T>C, p.Leu385Pro (NM_001317040.2); c.1010T>C, p.Leu337Pro (NM_001393580.1); c.920T>C, p.Leu307Pro (NM_001079811.3); c.617T>C, p.Leu206Pro (NM_001135602.3); c.1010T>C (NM_000404.3, NM_000404.2); short protein forms L206P, L307P, L337P, L385P.
Identifiers: ClinVar variation 1251981 (VCV001251981.14), dbSNP rs752177002, ClinGen allele CA2299523.